The following is an entry in ClinVar:

NM_000875.5(IGF1R):c.3988G>A (p.Gly1330Ser)

Gene: IGF1R (insulin like growth factor 1 receptor; plus strand). Cytogenetic location: 15q26.3.
Variant type: single nucleotide variant.
Coding change: c.3988G>A on transcript NM_000875.5 (MANE Select); coding-DNA position 3988, G replaced by A.
Protein change: p.Gly1330Ser; replaces glycine 1330 with serine.
Molecular consequence: missense variant.
Genome position (GRCh38, 1-based): chr15:98,957,326, G>A. VCF-style: chr15-98957326-G-A. GRCh37 (hg19) VCF-style: chr15-99500555-G-A.
Other names: c.3985G>A, p.Gly1329Ser (NM_001291858.2); short protein forms G1329S, G1330S.
Identifiers: ClinVar variation 1372553 (VCV001372553.7), dbSNP rs200870187, ClinGen allele CA7752856.

ClinVar aggregate classification (germline): Uncertain significance. Review status: criteria provided, multiple submitters, no conflicts (2 of 4 stars). 2 submissions from 2 submitters: Uncertain significance (2). Last evaluated 2025-06-22.

Allele frequency attached by ClinVar (database versions not stated): 1000 Genomes Project 0.00020; 1000 Genomes Project 30x 0.00031.
gnomAD v4.1: 138 of 1,612,048 alleles (0.0086%); highest among the groups gnomAD compares: Middle Eastern, 0.017%; no homozygotes.

Submissions (2):

Labcorp Genetics (formerly Invitae), Labcorp
Classification: Uncertain significance. Last evaluated: 2025-06-22. Review status: criteria provided, single submitter. Criteria: Invitae Variant Classification Sherloc (09022015). Collection method: clinical testing. Allele origin: germline.
Comment: This sequence change replaces glycine, which is neutral and non-polar, with serine, which is neutral and polar, at codon 1330 of the IGF1R protein (p.Gly1330Ser). This variant is present in population databases (rs200870187, gnomAD 0.01%). This variant has not been reported in the literature in individuals affected with IGF1R-related conditions. ClinVar contains an entry for this variant (Variation ID: 1372553). An algorithm developed to predict the effect of missense changes on protein structure and function outputs the following: PolyPhen-2: "Benign". The serine amino acid residue is found in multiple mammalian species, which suggests that this missense change does not adversely affect protein function. In summary, the available evidence is currently insufficient to determine the role of this variant in disease. Therefore, it has been classified as a Variant of Uncertain Significance.

Blueprint Genetics
Classification: Uncertain significance. Last evaluated: 2024-08-06. Review status: criteria provided, single submitter. Criteria: ACMG Guidelines, 2015. Collection method: clinical testing. Allele origin: germline.